The following is an entry in ClinVar:

ClinVar aggregate classification (germline): Uncertain significance. Review status: criteria provided, multiple submitters, no conflicts (2 of 4 stars). 3 submissions from 3 submitters: Uncertain significance (3). Last evaluated 2025-02-10.

Allele frequency attached by ClinVar (database versions not stated): gnomAD exomes 0.00003; 1000 Genomes Project 30x 0.00016; gnomAD 0.00001; ExAC 0.00002; TOPMed 0.00002; 1000 Genomes Project 0.00020.

Submissions (3):

Ambry Genetics
Classification: Uncertain significance. Last evaluated: 2025-02-10. Review status: criteria provided, single submitter. Criteria: Ambry Variant Classification Scheme 2023. Collection method: clinical testing. Allele origin: germline.

Labcorp Genetics (formerly Invitae), Labcorp
Classification: Uncertain significance. Last evaluated: 2024-04-09. Review status: criteria provided, single submitter. Criteria: Invitae Variant Classification Sherloc (09022015). Collection method: clinical testing. Allele origin: germline.
Comment: This sequence change replaces valine, which is neutral and non-polar, with isoleucine, which is neutral and non-polar, at codon 311 of the SLC25A3 protein (p.Val311Ile). This variant is present in population databases (rs200537764, gnomAD 0.006%). This variant has not been reported in the literature in individuals affected with SLC25A3-related conditions. ClinVar contains an entry for this variant (Variation ID: 215166). An algorithm developed to predict the effect of missense changes on protein structure and function (PolyPhen-2) suggests that this variant¬†is likely to be tolerated. In summary, the available evidence is currently insufficient to determine the role of this variant in disease. Therefore, it has been classified as a Variant of Uncertain Significance.

GeneDx
Classification: Uncertain significance. Last evaluated: 2014-06-30. Review status: criteria provided, single submitter. Criteria: GeneDx Variant Classification (06012015). Collection method: clinical testing. Allele origin: germline. Affected: yes.
Comment: p.Val311Ile (GTA>ATA): c.931 G>A in exon 8 of the SLC25A3 gene (NM_005888.3). The V311I variant of unknown significance in the SLC25A3 gene has not been published as a mutation, nor has it been reported as a benign polymorphism to our knowledge. The V311I variant is a conservative amino acid substitution, which is not likely to impact secondary protein structure as these residues share similar properties. This substitution occurs at a position that is conserved across species. In silico analysis predicts V311I likely does not alter the protein structure/function. However, multiple in-silico splice prediction models predict that the c.931 G>A nucleotide change, responsible for V311I, creates a cryptic splice donor site which if used would be expected cause abnormal gene splicing. However, the true effect of c.931 G>A on splicing in vivo is not known without functional studies. Therefore, based on the currently available information, it is unclear whether this variant is a pathogenic mutation or a rare benign variant. The variant is found in MITONUC-MITOP panel(s).

NM_002635.4(SLC25A3):c.928G>A (p.Val310Ile)

Gene: SLC25A3 (solute carrier family 25 member 3; plus strand). Cytogenetic location: 12q23.1.
Variant type: single nucleotide variant.
Coding change: c.928G>A on transcript NM_002635.4 (MANE Select); coding-DNA position 928, G replaced by A.
Protein change: p.Val310Ile; replaces valine 310 with isoleucine.
Molecular consequence: missense variant.
Genome position (GRCh38, 1-based): chr12:98,601,370, G>A. VCF-style: chr12-98601370-G-A. GRCh37 (hg19) VCF-style: chr12-98995148-G-A.
Other names: p.V311I:GTA>ATA; c.931G>A, p.Val311Ile (NM_005888.4); c.928G>A, p.Val310Ile (NM_213611.3); short protein forms V310I, V311I.
Identifiers: ClinVar variation 215166 (VCV000215166.7), dbSNP rs200537764, ClinGen allele CA322549.